The following is an entry in ClinVar:

NM_000059.4(BRCA2):c.6937+5A>G

Gene: BRCA2 (BRCA2 DNA repair associated; plus strand). Cytogenetic location: 13q13.1.
Variant type: single nucleotide variant.
Coding change: c.6937+5A>G on transcript NM_000059.4 (MANE Select); 5 bases into the intron after coding-DNA position 6937, A replaced by G.
Molecular consequence: intron variant.
Genome position (GRCh38, 1-based): chr13:32,344,658, A>G. VCF-style: chr13-32344658-A-G. GRCh37 (hg19) VCF-style: chr13-32918795-A-G.
Identifiers: ClinVar variation 920785 (VCV000920785.11), dbSNP rs397507379, ClinGen allele CA1139663148.

ClinVar aggregate classification (germline): Conflicting classifications of pathogenicity. Review status: criteria provided, conflicting classifications (1 of 4 stars). 5 submissions from 5 submitters: Uncertain significance (4); Likely benign (1). Last evaluated 2025-11-07.

Conditions:
Familial cancer of breast. Also called: hereditary breast carcinoma; BREAST CANCER, FAMILIAL; Hereditary breast cancer. Identifiers: Orphanet 227535, MedGen C0346153, MONDO:0016419, OMIM 114480. Disease mechanism: loss of function.
Medulloblastoma (MDB). Also called: MEDULLOBLASTOMA PREDISPOSITION SYNDROME; Medulloblastoma, somatic. Identifiers: Orphanet 616, MedGen C0025149, MeSH D008527, MONDO:0007959, OMIM 155255, HP:0002885.
Wilms tumor 1 (WT1). Also called: Wilms tumor, somatic. Identifiers: Orphanet 654, MedGen CN033288, MONDO:0008679, OMIM 194070.
Breast-ovarian cancer, familial, susceptibility to, 2 (BROVCA2). Also called: BRCA2 Hereditary Breast and Ovarian Cancer. Identifiers: Orphanet 145, MedGen C2675520, MONDO:0012933, OMIM 612555. Disease mechanism: loss of function.
Pancreatic cancer, susceptibility to, 2. Identifiers: Orphanet 1333, MedGen C3150546, MONDO:0013235, OMIM 613347.
Fanconi anemia complementation group D1. Also called: BRCA2-Related Fanconi Anemia. Identifiers: Orphanet 319462, MedGen C1838457, MONDO:0011584, OMIM 605724.
Glioma susceptibility 3 (GLM3). Also called: Glioblastoma 3. Identifiers: Orphanet 182067, Orphanet 360, MedGen C2751641, MONDO:0013093, OMIM 613029.
Familial prostate cancer. Also called: Hereditary Prostate Cancer. Identifiers: MedGen C2931456, MONDO:0700275, OMIM 176807.
Hereditary breast ovarian cancer syndrome. Also called: Hereditary breast and ovarian cancer syndrome; Hereditary breast and ovarian cancer; BRCA1- and BRCA2-Associated Hereditary Breast and Ovarian Cancer; Hereditary breast and ovarian cancer syndrome (HBOC); Hereditary breast and/or ovarian cancer syndrome; Breast and ovarian cancer. Identifiers: Orphanet 145, MedGen C0677776, MeSH D061325, MONDO:0003582. Disease mechanism: loss of function.
Hereditary cancer-predisposing syndrome. Also called: Neoplastic Syndromes, Hereditary; Tumor predisposition; Hereditary neoplastic syndrome; Hereditary Cancer Syndrome. Identifiers: Orphanet 140162, MedGen C0027672, MeSH D009386, MONDO:0015356.

Submissions (5):

Quest Diagnostics Nichols Institute San Juan Capistrano
Classification: Uncertain significance. Last evaluated: 2025-11-07. Review status: criteria provided, single submitter. Criteria: Quest Diagnostics criteria. Collection method: clinical testing. Allele origin: unknown.
Comment: The BRCA2 c.6937+5A>G variant has not been reported in individuals with BRCA2-related conditions in the published literature. This variant has not been reported in large, multi-ethnic general populations (Genome Aggregation Database). Analysis of this variant using software algorithms for the prediction of the effect of nucleotide changes on splicing yielded predictions that this variant does not affect BRCA2 mRNA splicing. Based on the available information, we are unable to determine the clinical significance of this variant.

Department of Pathology and Laboratory Medicine, Sinai Health System
Classification: Uncertain significance for Familial cancer of breast; Medulloblastoma; Familial prostate cancer; Wilms tumor 1; Fanconi anemia complementation group D1; Breast-ovarian cancer, familial, susceptibility to, 2; Glioma susceptibility 3; Pancreatic cancer, susceptibility to, 2. Last evaluated: 2022-05-05. Review status: criteria provided, single submitter. Criteria: ACMG Guidelines, 2015. Collection method: clinical testing. Allele origin: germline. Affected: no.

Labcorp Genetics (formerly Invitae), Labcorp
Classification: Uncertain significance for Hereditary breast ovarian cancer syndrome. Last evaluated: 2022-01-27. Review status: criteria provided, single submitter. Criteria: Invitae Variant Classification Sherloc (09022015). Collection method: clinical testing. Allele origin: germline.
Comment: This sequence change falls in intron 12 of the BRCA2 gene. It does not directly change the encoded amino acid sequence of the BRCA2 protein. It affects a nucleotide within the consensus splice site. This variant is not present in population databases (gnomAD no frequency). This variant has not been reported in the literature in individuals affected with BRCA2-related conditions. ClinVar contains an entry for this variant (Variation ID: 920785). Variants that disrupt the consensus splice site are a relatively common cause of aberrant splicing (PMID: 17576681, 9536098). Algorithms developed to predict the effect of sequence changes on RNA splicing suggest that this variant may create or strengthen a splice site. In summary, the available evidence is currently insufficient to determine the role of this variant in disease. Therefore, it has been classified as a Variant of Uncertain Significance.

Ambry Genetics
Classification: Uncertain significance for Hereditary cancer-predisposing syndrome. Last evaluated: 2022-01-11. Review status: criteria provided, single submitter. Criteria: Ambry Variant Classification Scheme 2023. Collection method: clinical testing. Allele origin: germline.
Comment: The c.6937+5A>G intronic variant results from an A to G substitution 5 nucleotides after coding exon 11 in the BRCA2 gene. This nucleotide position is not well conserved in available vertebrate species. In silico splice site analysis predicts that this alteration will not have any significant effect on splicing. Since supporting evidence is limited at this time, the clinical significance of this alteration remains unclear.

Color Diagnostics, LLC DBA Color Health
Classification: Likely benign for Hereditary cancer-predisposing syndrome. Last evaluated: 2020-02-25. Review status: criteria provided, single submitter. Criteria: ACMG Guidelines, 2015. Collection method: clinical testing. Allele origin: germline.

Literature cited by the submitters: PubMed 17576681 (cited by Labcorp Genetics (formerly Invitae), Labcorp); PubMed 9536098 (cited by Labcorp Genetics (formerly Invitae), Labcorp).